The following is an entry in ClinVar:

ClinVar aggregate classification (germline): Pathogenic (1 of 4 stars; one submission).

Conditions:
Werner syndrome (WRN). Identifiers: Orphanet 902, MedGen C0043119, MONDO:0010196, OMIM 277700.

Submission:

Labcorp Genetics (formerly Invitae), Labcorp
Classification: Pathogenic for Werner syndrome. Last evaluated: 2022-11-02. Review status: criteria provided, single submitter. Criteria: Invitae Variant Classification Sherloc (09022015). Collection method: clinical testing. Allele origin: germline.
Comment: This variant has not been reported in the literature in individuals affected with WRN-related conditions. For these reasons, this variant has been classified as Pathogenic. This variant is not present in population databases (gnomAD no frequency). This sequence change creates a premature translational stop signal (p.Lys382Asnfs*2) in the WRN gene. It is expected to result in an absent or disrupted protein product. Loss-of-function variants in WRN are known to be pathogenic (PMID: 16673358).

Literature cited by the submitters: PubMed 16673358.

NM_000553.6(WRN):c.1146del (p.Lys382fs)

Gene: WRN (WRN RecQ like helicase; plus strand). Cytogenetic location: 8p12.
Variant type: Deletion.
Coding change: c.1146del on transcript NM_000553.6 (MANE Select); coding-DNA position 1146, one base deleted (A; older notation c.1146delA).
Protein change: p.Lys382fs; shifts the reading frame from lysine 382.
Molecular consequence: frameshift variant.
Genome position (GRCh38, 1-based): chr8:31,081,173, A deleted; the last of 3 consecutive A bases (chr8:31,081,171-31,081,173); deleting any one gives the same sequence. VCF-style (leftmost placement, unchanged base first): chr8-31081170-CA-C. GRCh37 (hg19) VCF-style: chr8-30938686-CA-C.
Other names: short protein forms K382fs.
Identifiers: ClinVar variation 3012245 (VCV003012245.3), dbSNP rs2535911081, ClinGen allele CA2740094977.